The following is an entry in ClinVar:

NM_007294.4(BRCA1):c.3472G>T (p.Glu1158Ter)

Genes: BRCA1 (BRCA1 DNA repair associated; minus strand), LOC126862571 (BRD4-independent group 4 enhancer GRCh37_chr17:41243136-41244335; plus strand). Cytogenetic location: 17q21.31.
Variant type: single nucleotide variant.
Coding change: c.3472G>T on transcript NM_007294.4 (MANE Select); coding-DNA position 3472, G replaced by T.
Protein change: p.Glu1158Ter; replaces glutamic acid 1158 with a stop codon.
Molecular consequence: nonsense. On other transcripts: intron variant (135).
Genome position (GRCh38, 1-based): chr17:43,092,059, C>A on the plus strand (G>T on the coding strand, the complement: BRCA1 is on the minus strand). VCF-style: chr17-43092059-C-A. GRCh37 (hg19) VCF-style: chr17-41244076-C-A.
Other names: c.3259G>T, p.Glu1087Ter (NM_001407571.1, NM_001407853.1, NM_001407894.1 and 9 more transcripts); c.3472G>T, p.Glu1158Ter (NM_001407581.1, NM_001407582.1, NM_001407583.1 and 30 more transcripts); c.3469G>T, p.Glu1157Ter (NM_001407587.1, NM_001407590.1, NM_001407591.1 and 22 more transcripts); c.3463G>T, p.Glu1155Ter (NM_001407646.1, NM_001407647.1); c.3349G>T, p.Glu1117Ter (NM_001407648.1, NM_001407664.1, NM_001407665.1 and 19 more transcripts); c.3346G>T, p.Glu1116Ter (NM_001407649.1, NM_001407670.1, NM_001407671.1 and 11 more transcripts); c.3394G>T, p.Glu1132Ter (NM_001407653.1, NM_001407654.1, NM_001407655.1 and 4 more transcripts); c.3391G>T, p.Glu1131Ter (NM_001407659.1, NM_001407660.1, NM_001407661.1 and 1 more transcripts); and 41 more; short protein forms E1158*, E1111*, E1046*, E1070*, E1117*, E1030*, E1110*, E1116*.
Identifiers: ClinVar variation 54894 (VCV000054894.18), dbSNP rs397509072, ClinGen allele CA002237.

ClinVar aggregate classification (germline): Pathogenic. Review status: reviewed by expert panel (3 of 4 stars). 5 submissions from 5 submitters: Pathogenic (1). 4 of the submissions do not count toward it. Last evaluated 2016-09-08.

Conditions:
Infiltrating duct carcinoma of breast. Also called: Invasive ductal breast carcinoma; Invasive Ductal Carcinoma, Not Otherwise Specified. Identifiers: MedGen C1412014, MONDO:0004953.
Hereditary cancer-predisposing syndrome. Also called: Neoplastic Syndromes, Hereditary; Tumor predisposition; Hereditary Cancer Syndrome; Hereditary neoplastic syndrome. Identifiers: Orphanet 140162, MedGen C0027672, MeSH D009386, MONDO:0015356.
Hereditary breast ovarian cancer syndrome. Also called: Hereditary breast and/or ovarian cancer syndrome; Hereditary breast and ovarian cancer syndrome; Hereditary breast and ovarian cancer; Hereditary breast and ovarian cancer syndrome (HBOC); Breast and ovarian cancer; BRCA1- and BRCA2-Associated Hereditary Breast and Ovarian Cancer. Identifiers: Orphanet 145, MedGen C0677776, MeSH D061325, MONDO:0003582. Disease mechanism: loss of function.
Breast-ovarian cancer, familial, susceptibility to, 1 (BROVCA1). Also called: OVARIAN CANCER, SUSCEPTIBILITY TO; BRCA1 Hereditary Breast and Ovarian Cancer. Identifiers: Orphanet 145, MedGen C2676676, MONDO:0011450, OMIM 604370. Disease mechanism: loss of function.

Submissions (5):

Evidence-based Network for the Interpretation of Germline Mutant Alleles (ENIGMA)
Classification: Pathogenic for Breast-ovarian cancer, familial, susceptibility to, 1. Last evaluated: 2016-09-08. Review status: reviewed by expert panel. Criteria: ENIGMA BRCA1/2 Classification Criteria (2015). Collection method: curation. Allele origin: germline.
Comment: Variant allele predicted to encode a truncated non-functional protein.

Labcorp Genetics (formerly Invitae), Labcorp
Classification: Pathogenic for Hereditary breast ovarian cancer syndrome. Last evaluated: 2022-07-13. Review status: criteria provided, single submitter. Criteria: Invitae Variant Classification Sherloc (09022015). Collection method: clinical testing. Allele origin: germline. Not counted in ClinVar's aggregate classification.
Comment: This variant is not present in population databases (gnomAD no frequency). For these reasons, this variant has been classified as Pathogenic. ClinVar contains an entry for this variant (Variation ID: 54894). This premature translational stop signal has been observed in individual(s) with breast and ovarian cancer (PMID: 22798144, 30078507, 30702160, 30720863). This sequence change creates a premature translational stop signal (p.Glu1158*) in the BRCA1 gene. It is expected to result in an absent or disrupted protein product. Loss-of-function variants in BRCA1 are known to be pathogenic (PMID: 20104584).

Ambry Genetics
Classification: Pathogenic for Hereditary cancer-predisposing syndrome. Last evaluated: 2016-08-09. Review status: criteria provided, single submitter. Criteria: Ambry Variant Classification Scheme 2023. Collection method: clinical testing. Allele origin: germline. Not counted in ClinVar's aggregate classification.
Comment: The p.E1158* pathogenic mutation (also known as c.3472G>T), located in coding exon 9 of the BRCA1 gene, results from a G to T substitution at nucleotide position 3472. This changes the amino acid from a glutamic acid to a stop codon within coding exon 9. This mutation was identified in 1/1668 Korean breast cancer patients considered to be at high-risk of a BRCA1 or BRCA2 mutation due to personal or family history (Kim H et al. Breast Cancer Res. Treat. 2012 Aug;134:1315-26). In addition to the clinical data presented in the literature, this alteration is expected to result in loss of function by premature protein truncation or nonsense-mediated mRNA decay. As such, this alteration is interpreted as a disease-causing mutation.

Juno Genomics, Hangzhou Juno Genomics, Inc
Classification: Pathogenic for Breast-ovarian cancer, familial, susceptibility to, 1. Review status: criteria provided, single submitter. Criteria: ACMG Guidelines, 2015. Collection method: clinical testing. Allele origin: germline. Not counted in ClinVar's aggregate classification.
Comment: Absent from controls (or at extremely low frequency if recessive) in Genome Aggregation Database.;Null variant in a gene where loss of function (LOF) is a known mechanism of disease.;Novel missense change at an amino acid residue where a different missense change determined to be pathogenic has been seen before.;The prevalence of the variant in affected individuals is significantly increased compared to the prevalence in controls.

3DMed Clinical Laboratory Inc
Classification: Pathogenic for Invasive Ductal Carcinoma, Not Otherwise Specified. Last evaluated: 2018-05-05. Review status: no assertion criteria provided. Criteria: ACMG Guidelines, 2015. Collection method: clinical testing. Allele origin: germline. Affected: yes. Not counted in ClinVar's aggregate classification.

Literature cited by the submitters: PubMed 22798144 (cited by Labcorp Genetics (formerly Invitae), Labcorp and Ambry Genetics); PubMed 30078507 (cited by Labcorp Genetics (formerly Invitae), Labcorp); PubMed 30702160 (cited by Labcorp Genetics (formerly Invitae), Labcorp); PubMed 30720863 (cited by Labcorp Genetics (formerly Invitae), Labcorp); PubMed 20104584 (cited by Labcorp Genetics (formerly Invitae), Labcorp).